The following is an entry in ClinVar:

NM_177438.3(DICER1):c.2437-17C>T

Gene: DICER1 (dicer 1, ribonuclease III; minus strand). Cytogenetic location: 14q32.13.
Variant type: single nucleotide variant.
Coding change: c.2437-17C>T on transcript NM_177438.3 (MANE Select); 17 bases into the intron before coding-DNA position 2437, C replaced by T.
Molecular consequence: intron variant.
Genome position (GRCh38, 1-based): chr14:95,108,110, G>A on the plus strand (C>T on the coding strand, the complement: DICER1 is on the minus strand). VCF-style: chr14-95108110-G-A. GRCh37 (hg19) VCF-style: chr14-95574447-G-A.
Other names: c.2437-17C>T (NM_001291628.2, NM_030621.4, NM_001271282.3 and 1 more transcripts).
Identifiers: ClinVar variation 1588022 (VCV001588022.10), dbSNP rs376483385, ClinGen allele CA265909503.

ClinVar aggregate classification (germline): Likely benign. Review status: criteria provided, multiple submitters, no conflicts (2 of 4 stars). 2 submissions from 2 submitters: Likely benign (2). Last evaluated 2026-04-13.

Conditions:
DICER1-related tumor predisposition. Also called: DICER1-related pleuropulmonary blastoma cancer predisposition syndrome; DICER1 syndrome. Identifiers: Orphanet 284343, MedGen C3839822, MONDO:0100216.

Allele frequency attached by ClinVar (database versions not stated): gnomAD exomes below 0.00001; TOPMed 0.00002; ESP Exome Variant Server 0.00008; gnomAD 0.00002.
gnomAD v4.1: 6 of 1,572,362 alleles (0.00038%); highest among the groups gnomAD compares: African/African-American, 0.0041%; no homozygotes.

Submissions (2):

Myriad Genetics, Inc.
Classification: Likely benign for DICER1-related tumor predisposition. Last evaluated: 2026-04-13. Review status: criteria provided, single submitter. Criteria: Myriad Autosomal Dominant, Autosomal Recessive and X-Linked Classification Criteria (2023). Collection method: clinical testing. Allele origin: unknown.
Comment: This variant is considered likely benign. This variant is intronic and is not expected to impact mRNA splicing.

Labcorp Genetics (formerly Invitae), Labcorp
Classification: Likely benign for DICER1-related tumor predisposition. Last evaluated: 2026-01-30. Review status: criteria provided, single submitter. Criteria: Invitae Variant Classification Sherloc (09022015). Collection method: clinical testing. Allele origin: germline.